The following is an entry in ClinVar:

NM_003119.4(SPG7):c.1A>G (p.Met1Val)

Genes: SPG7 (SPG7 matrix AAA peptidase subunit, paraplegin; plus strand), LOC130059818 (ATAC-STARR-seq lymphoblastoid silent region 7911; plus strand). Cytogenetic location: 16q24.3.
Variant type: single nucleotide variant.
Coding change: c.1A>G on transcript NM_003119.4 (MANE Select); coding-DNA position 1, A replaced by G.
Protein change: p.Met1Val; changes the start codon (methionine 1).
Molecular consequence: missense variant, initiator codon variant.
Genome position (GRCh38, 1-based): chr16:89,508,418, A>G. VCF-style: chr16-89508418-A-G. GRCh37 (hg19) VCF-style: chr16-89574826-A-G.
Other names: c.1A>G (NM_003119.3); c.1A>G, p.Met1Val (NM_001363850.1, NM_199367.3); short protein forms M1V.
Identifiers: ClinVar variation 193253 (VCV000193253.41), dbSNP rs794726906, ClinGen allele CA274907.
Genomic context (GRCh38, chr16:89,508,418, plus strand): 5'-CCGCCGCGCAGGCGCCGTGTAGCGCCCCGCGGATCACGCAGGCGCGGCTTTCAGGCCAAC[A>G]TGGCCGTGCTGCTGCTGCTGCTCCGTGCCCTCCGCCGGGGTCCAGGCCCGGGTCCTCGGC-3'
Protein context (NP_003110.1, residues 1-11): [Met1Val]AVLLLLLRAL

ClinVar aggregate classification (germline): Pathogenic/Likely pathogenic. Review status: criteria provided, multiple submitters, no conflicts (2 of 4 stars). 9 submissions from 9 submitters: Pathogenic (6); Likely pathogenic (3). Last evaluated 2025-07-09.

Conditions:
SPG7-related disorder. Also called: SPG7-related condition.
Hereditary spastic paraplegia 7 (SPG7). Also called: Autosomal recessive spastic paraplegia type 7; SPG7-related neurologic disorder; SPASTIC PARAPLEGIA 7, AUTOSOMAL RECESSIVE, WITH OR WITHOUT CEREBELLAR ATAXIA; Spastic paraplegia 7; Hereditary spastic paraplegia Paraplegin type. Identifiers: Orphanet 99013, MedGen C1846564, MONDO:0011803, OMIM 607259.

Allele frequency attached by ClinVar (database versions not stated): gnomAD 0.00001; TOPMed 0.00001.

Submissions (9):

Variantyx, Inc.
Classification: Pathogenic for Hereditary spastic paraplegia 7. Last evaluated: 2025-07-09. Review status: criteria provided, single submitter. Criteria: Variantyx Assertion Criteria 2022. Collection method: clinical testing. Allele origin: germline. Inheritance: Autosomal recessive inheritance. Affected: no.
Comment: This is a start-loss variant in the SPG7 gene (OMIM: 602783). Pathogenic variants in this gene have been associated with autosomal recessive spastic paraplegia 7. This variant results in loss of the initiation codonand is expected to result in loss of function, which is a known disease mechanism for SPG7 in this disorder (PMID: 22964162) (PVS1). This variant has been identified in the homozygous or compound heterozygous state in at least one individual reported in the published literature (PMID: 35531120) (PM3). It has a 0.0006% maximum allele frequency in non-founder control populations (PM2). Based on the current evidence, this variant is classified as pathogenic for autosomal recessive spastic paraplegia 7.No other variant of clinical significance was identified in the SPG7 gene.

Revvity Omics, Revvity
Classification: Likely pathogenic for Hereditary spastic paraplegia 7. Last evaluated: 2025-01-27. Review status: criteria provided, single submitter. Criteria: ACMG Guidelines, 2015. Collection method: clinical testing. Allele origin: germline.

CeGaT Center for Human Genetics Tuebingen
Classification: Pathogenic. Last evaluated: 2023-10-01. Review status: criteria provided, single submitter. Criteria: CeGaT Center For Human Genetics Tuebingen Variant Classification Criteria Version 2. Collection method: clinical testing. Allele origin: germline. Affected: yes. Observed: 1 variant allele.
Comment: SPG7: PVS1, PM2

Labcorp Genetics (formerly Invitae), Labcorp
Classification: Pathogenic for Hereditary spastic paraplegia 7. Last evaluated: 2023-09-19. Review status: criteria provided, single submitter. Criteria: Invitae Variant Classification Sherloc (09022015). Collection method: clinical testing. Allele origin: germline.
Comment: For these reasons, this variant has been classified as Pathogenic. Experimental studies and prediction algorithms are not available or were not evaluated, and the functional significance of this variant is currently unknown. ClinVar contains an entry for this variant (Variation ID: 193253). Disruption of the initiator codon has been observed in individuals with hereditary spastic paraplegia (PMID: 22964162, 23065789; Invitae). This variant is not present in population databases (gnomAD no frequency). This sequence change affects the initiator methionine of the SPG7 mRNA. The next in-frame methionine is located at codon 44.

PreventionGenetics, part of Exact Sciences
Classification: Pathogenic for SPG7-related condition. Last evaluated: 2023-07-10. Review status: criteria provided, single submitter. Criteria: ACMG Guidelines, 2015. Collection method: clinical testing. Allele origin: germline.
Comment: The SPG7 c.1A>G variant is predicted to disrupt the translation initiation site (Start loss). This variant has been reported in individuals with hereditary spastic paraplegia (HSP); in at least one patient, the variant was found along with a second SPG7 frameshift variant (Klebe et al. 2012. PubMed ID: 23065789; Panwala et al. 2022. PubMed ID: 35303589). Other variants that disrupt the start codon have also been reported in HSP patients, in the homozygous state or along with a second heterozygous SPG7 variant (c.1A>T in Elleuch et al. 2006. PubMed ID: 16534102; c.1A>T in Klebe et al. 2012. PubMed ID: 23065789; c.3G>A in van Gassen et al. 2012. PubMed ID: 22964162). This variant has not been reported in a large population database, indicating this variant is rare. This variant is interpreted as pathogenic.

GeneDx
Classification: Pathogenic. Last evaluated: 2023-01-30. Review status: criteria provided, single submitter. Criteria: GeneDx Variant Classification Process June 2021. Collection method: clinical testing. Allele origin: germline. Affected: yes.
Comment: Initiation codon variant in a gene for which loss-of-function is a known mechanism of disease; This variant is associated with the following publications: (PMID: 35303589, 23065789)

PROSPAX: an integrated multimodal progression  chart in spastic ataxias, Center for Neurology; Hertie-Institute for Clinical Brain Research
Classification: Pathogenic for Hereditary spastic paraplegia 7. Last evaluated: 2022-01-01. Review status: criteria provided, single submitter. Criteria: ACMG Guidelines, 2015. Collection method: research. Allele origin: germline. Affected: yes. Observed: 1 variant allele, 1 compound heterozygote.

Eurofins Ntd Llc (ga)
Classification: Likely pathogenic. Last evaluated: 2015-04-21. Review status: criteria provided, single submitter. Criteria: EGL Classification Definitions 2015. Collection method: clinical testing. Allele origin: germline. Observed: 1 variant allele, 1 heterozygote.

Juno Genomics, Hangzhou Juno Genomics, Inc
Classification: Likely pathogenic for Hereditary spastic paraplegia 7. Review status: criteria provided, single submitter. Criteria: ACMG Guidelines, 2015. Collection method: clinical testing. Allele origin: germline.
Comment: Absent from controls (or at extremely low frequency if recessive) in Genome Aggregation Database.;Null variant in a gene where loss of function (LOF) is a known mechanism of disease.;For recessive disorders, detected in trans with a pathogenic variant.

Literature cited by the submitters: PubMed 35531120 (cited by Variantyx, Inc.); PubMed 22964162 (cited by Variantyx, Inc. and Labcorp Genetics (formerly Invitae), Labcorp); PubMed 23065789 (cited by Labcorp Genetics (formerly Invitae), Labcorp).